The following is an entry in ClinVar:

NM_001271.4(CHD2):c.1017G>A (p.Glu339=)

Gene: CHD2 (chromodomain helicase DNA binding protein 2; plus strand). Cytogenetic location: 15q26.1.
Variant type: single nucleotide variant.
Coding change: c.1017G>A on transcript NM_001271.4 (MANE Select); coding-DNA position 1017, G replaced by A.
Protein change: p.Glu339=; no amino-acid change (glutamic acid 339 retained).
Molecular consequence: synonymous variant.
Genome position (GRCh38, 1-based): chr15:92,943,033, G>A. VCF-style: chr15-92943033-G-A. GRCh37 (hg19) VCF-style: chr15-93486263-G-A.
Other names: c.1017G>A, p.Glu339= (NM_001042572.3).
Identifiers: ClinVar variation 382915 (VCV000382915.17), dbSNP rs141957556, ClinGen allele CA7747675.

ClinVar aggregate classification (germline): Benign/Likely benign. Review status: criteria provided, multiple submitters, no conflicts (2 of 4 stars). 6 submissions from 6 submitters: Benign (3); Likely benign (3). Last evaluated 2026-08-01.

Conditions:
CHD2-related disorder. Also called: CHD2-related condition.
Inborn genetic diseases. Identifiers: MedGen C0950123, MeSH D030342.
Developmental and epileptic encephalopathy 94 (DEE94). Also called: Epileptic encephalopathy, childhood-onset; CHD2-Related Neurodevelopmental Disorders. Identifiers: Orphanet 1942, Orphanet 2382, MedGen C3809278, MONDO:0014150, OMIM 615369.

Allele frequency attached by ClinVar (database versions not stated): ESP Exome Variant Server 0.00008; gnomAD 0.00021 and 0.00025; TOPMed 0.00030; ExAC 0.00037; gnomAD exomes 0.00044; 1000 Genomes Project 30x 0.00109; 1000 Genomes Project 0.00120.
gnomAD v4.1: 251 of 1,613,796 alleles (0.016%); highest among the groups gnomAD compares: East Asian, 0.43%; 2 homozygotes.

Submissions (6):

CeGaT Center for Human Genetics Tuebingen
Classification: Likely benign. Last evaluated: 2026-08-01. Review status: criteria provided, single submitter. Criteria: CeGaT Center For Human Genetics Tuebingen Variant Classification Criteria Version 2. Collection method: clinical testing. Allele origin: germline. Affected: yes. Observed: 1 variant allele.
Comment: CHD2: BP4, BS1

Labcorp Genetics (formerly Invitae), Labcorp
Classification: Benign for Developmental and epileptic encephalopathy 94. Last evaluated: 2026-02-03. Review status: criteria provided, single submitter. Criteria: Invitae Variant Classification Sherloc (09022015). Collection method: clinical testing. Allele origin: germline.

PreventionGenetics, part of Exact Sciences
Classification: Benign for CHD2-related condition. Last evaluated: 2026-01-18. Review status: criteria provided, single submitter. Criteria: ACMG Guidelines, 2015. Collection method: clinical testing. Allele origin: germline.
Comment: This variant is classified as benign based on ACMG/AMP sequence variant interpretation guidelines (Richards et al. 2015 PMID: 25741868, with internal and published modifications).

Blueprint Genetics
Classification: Likely benign. Last evaluated: 2024-11-27. Review status: criteria provided, single submitter. Criteria: ACMG Guidelines, 2015. Collection method: clinical testing. Allele origin: germline.

Ambry Genetics
Classification: Likely benign for Inborn genetic diseases. Last evaluated: 2018-09-30. Review status: criteria provided, single submitter. Criteria: Ambry Variant Classification Scheme 2023. Collection method: clinical testing. Allele origin: germline.

GeneDx
Classification: Benign. Last evaluated: 2016-08-09. Review status: criteria provided, single submitter. Criteria: GeneDx Variant Classification (06012015). Collection method: clinical testing. Allele origin: germline. Affected: yes.
Comment: This variant is considered likely benign or benign based on one or more of the following criteria: it is a conservative change, it occurs at a poorly conserved position in the protein, it is predicted to be benign by multiple in silico algorithms, and/or has population frequency not consistent with disease.